The following is an entry in ClinVar:

NM_021020.5(LZTS1):c.1374G>T (p.Lys458Asn)

Gene: LZTS1 (leucine zipper tumor suppressor 1; minus strand). Cytogenetic location: 8p21.3.
Variant type: single nucleotide variant.
Coding change: c.1374G>T on transcript NM_021020.5 (MANE Select); coding-DNA position 1374, G replaced by T.
Protein change: p.Lys458Asn; replaces lysine 458 with asparagine.
Molecular consequence: missense variant.
Genome position (GRCh38, 1-based): chr8:20,250,139, C>A on the plus strand (G>T on the coding strand, the complement: LZTS1 is on the minus strand). VCF-style: chr8-20250139-C-A. GRCh37 (hg19) VCF-style: chr8-20107650-C-A.
Other names: c.1374G>T, p.Lys458Asn (NM_001362884.2); short protein forms K458N.
Identifiers: ClinVar variation 2740794 (VCV002740794.3), dbSNP rs2486298310, ClinGen allele CA370476274.
Genomic context (GRCh38, chr8:20,250,139, plus strand): 5'-CAGCTCCTGCAGCTCCTGCTCCAGCAGGTTCACCTTCTCCCGCAGCAGCTCCGCCTCGTT[C>A]TTCTTGCGCTGCAGCTCATTCTCACAGACCTCCAGCTCCAGGCCCTTGGTGCGCAGGGCG-3'
Protein context (NP_066300.1, residues 448-468): EVCENELQRK[Lys458Asn]NEAELLREKV

ClinVar aggregate classification (germline): Uncertain significance (1 of 4 stars; one submission).

Submission:

Labcorp Genetics (formerly Invitae), Labcorp
Classification: Uncertain significance. Last evaluated: 2023-11-14. Review status: criteria provided, single submitter. Criteria: Invitae Variant Classification Sherloc (09022015). Collection method: clinical testing. Allele origin: germline.
Comment: This sequence change replaces lysine, which is basic and polar, with asparagine, which is neutral and polar, at codon 458 of the LZTS1 protein (p.Lys458Asn). This variant is not present in population databases (gnomAD no frequency). This variant has not been reported in the literature in individuals affected with LZTS1-related conditions. Advanced modeling of protein sequence and biophysical properties (such as structural, functional, and spatial information, amino acid conservation, physicochemical variation, residue mobility, and thermodynamic stability) performed at Invitae indicates that this missense variant is expected to disrupt LZTS1 protein function with a positive predictive value of 80%. In summary, the available evidence is currently insufficient to determine the role of this variant in disease. Therefore, it has been classified as a Variant of Uncertain Significance.